The following is an entry in ClinVar:

NM_000069.3(CACNA1S):c.2543T>A (p.Val848Asp)

Gene: CACNA1S (calcium voltage-gated channel subunit alpha1 S; minus strand). Cytogenetic location: 1q32.1.
Variant type: single nucleotide variant.
Coding change: c.2543T>A on transcript NM_000069.3 (MANE Select); coding-DNA position 2543, T replaced by A.
Protein change: p.Val848Asp; replaces valine 848 with aspartic acid.
Molecular consequence: missense variant.
Genome position (GRCh38, 1-based): chr1:201,069,144, A>T on the plus strand (T>A on the coding strand, the complement: CACNA1S is on the minus strand). VCF-style: chr1-201069144-A-T. GRCh37 (hg19) VCF-style: chr1-201038272-A-T.
Other names: short protein forms V848D.
Identifiers: ClinVar variation 3070163 (VCV003070163.1), dbSNP rs2464533713, ClinGen allele CA344105631.

ClinVar aggregate classification (germline): Uncertain significance (1 of 4 stars; one submission).

Conditions:
Malignant hyperthermia, susceptibility to, 5 (MHS5). Also called: CACNA1S-Related Malignant Hyperthermia Susceptibility. Identifiers: Orphanet 423, MedGen C1866077, MONDO:0011163, OMIM 601887.

Submission:

All of Us Research Program, National Institutes of Health
Classification: Uncertain significance for Malignant hyperthermia, susceptibility to, 5. Last evaluated: 2023-09-17. Review status: criteria provided, single submitter. Criteria: ACMG Guidelines, 2015. Collection method: clinical testing. Allele origin: germline. Inheritance: Autosomal dominant inheritance. Observed: 2 variant alleles, 2 heterozygotes.
Comment: This missense variant replaces valine with aspartic acid at codon 848 of the CACNA1S protein. Computational prediction suggests that this variant may have deleterious impact on protein structure and function (internally defined REVEL score threshold >= 0.7, PMID: 27666373). To our knowledge, functional studies have not been reported for this variant. This variant has not been reported in individuals affected with CACNA1S-related disorders in the literature. This variant has not been identified in the general population by the Genome Aggregation Database (gnomAD). The available evidence is insufficient to determine the role of this variant in disease conclusively. Therefore, this variant is classified as a Variant of Uncertain Significance.

This study involves interpretation of variants in research participants for the purpose of population health screening. Participant phenotype was not available at the time of variant classification. Additional details can be found in publication PMID: 35346344, PMCID: PMC8962531